The following is an entry in ClinVar:

ClinVar aggregate classification (germline): Likely pathogenic (1 of 4 stars; one submission).

Submission:

GeneDx
Classification: Likely pathogenic. Last evaluated: 2022-10-04. Review status: criteria provided, single submitter. Criteria: GeneDx Variant Classification Process June 2021. Collection method: clinical testing. Allele origin: germline. Affected: yes.
Comment: Not observed at significant frequency in large population cohorts (gnomAD); In silico analysis supports that this missense variant has a deleterious effect on protein structure/function; Has not been previously published as pathogenic or benign to our knowledge

NM_032806.6(POMGNT2):c.1234G>A (p.Gly412Arg)

Gene: POMGNT2 (protein O-linked mannose N-acetylglucosaminyltransferase 2 (beta 1,4-); minus strand). Cytogenetic location: 3p22.1.
Variant type: single nucleotide variant.
Coding change: c.1234G>A on transcript NM_032806.6 (MANE Select); coding-DNA position 1234, G replaced by A.
Protein change: p.Gly412Arg; replaces glycine 412 with arginine.
Molecular consequence: missense variant.
Genome position (GRCh38, 1-based): chr3:43,080,198, C>T on the plus strand (G>A on the coding strand, the complement: POMGNT2 is on the minus strand). VCF-style: chr3-43080198-C-T. GRCh37 (hg19) VCF-style: chr3-43121690-C-T.
Other names: short protein forms G412R.
Identifiers: ClinVar variation 1708866 (VCV001708866.2), dbSNP rs879819421, ClinGen allele CA352301560.